The following is an entry in ClinVar:

ClinVar aggregate classification (germline): Uncertain significance (1 of 4 stars; one submission).

Allele frequency attached by ClinVar (database versions not stated): gnomAD exomes below 0.00001.
gnomAD v4.1: 3 of 1,613,110 alleles (0.00019%); highest among the groups gnomAD compares: Non-Finnish European, 0.00025%; no homozygotes.

Submission:

Labcorp Genetics (formerly Invitae), Labcorp
Classification: Uncertain significance. Last evaluated: 2023-09-08. Review status: criteria provided, single submitter. Criteria: Invitae Variant Classification Sherloc (09022015). Collection method: clinical testing. Allele origin: germline.
Comment: In summary, the available evidence is currently insufficient to determine the role of this variant in disease. Therefore, it has been classified as a Variant of Uncertain Significance. Algorithms developed to predict the effect of sequence changes on RNA splicing suggest that this variant may disrupt the consensus splice site. Advanced modeling of protein sequence and biophysical properties (such as structural, functional, and spatial information, amino acid conservation, physicochemical variation, residue mobility, and thermodynamic stability) has been performed at Invitae for this missense variant, however the output from this modeling did not meet the statistical confidence thresholds required to predict the impact of this variant on SI protein function. This variant has not been reported in the literature in individuals affected with SI-related conditions. This variant is not present in population databases (gnomAD no frequency). This sequence change replaces glycine, which is neutral and non-polar, with arginine, which is basic and polar, at codon 1189 of the SI protein (p.Gly1189Arg).

NM_001041.4(SI):c.3565G>A (p.Gly1189Arg)

Gene: SI (sucrase-isomaltase; minus strand). Cytogenetic location: 3q26.1.
Variant type: single nucleotide variant.
Coding change: c.3565G>A on transcript NM_001041.4 (MANE Select); coding-DNA position 3565, G replaced by A.
Protein change: p.Gly1189Arg; replaces glycine 1189 with arginine.
Molecular consequence: missense variant.
Genome position (GRCh38, 1-based): chr3:165,017,829, C>T on the plus strand (G>A on the coding strand, the complement: SI is on the minus strand). VCF-style: chr3-165017829-C-T. GRCh37 (hg19) VCF-style: chr3-164735617-C-T.
Other names: short protein forms G1189R.
Identifiers: ClinVar variation 2758660 (VCV002758660.3), dbSNP rs1719113160, ClinGen allele CA355038302.